The following is an entry in ClinVar:

NM_000138.5(FBN1):c.5258_5260dup (p.Pro1753_Gly1754insAla)

Gene: FBN1 (fibrillin 1; minus strand). Cytogenetic location: 15q21.1.
Variant type: Duplication.
Coding change: c.5258_5260dup on transcript NM_000138.5 (MANE Select); coding-DNA positions 5258 to 5260, 3 bases duplicated (CAG; older notation c.5258_5260dupCAG).
Protein change: p.Pro1753_Gly1754insAla.
Molecular consequence: inframe insertion.
Genome position (GRCh38, 1-based): chr15:48,460,282-48,460,284, CTG duplicated on the plus strand (CAG on the coding strand, the reverse complement: FBN1 is on the minus strand). VCF-style (leftmost placement, unchanged base first): chr15-48460281-C-CCTG. GRCh37 (hg19) VCF-style: chr15-48752478-C-CCTG.
Other names: c.5258_5260dup, p.Pro1753_Gly1754insAla (NM_001406716.1).
Identifiers: ClinVar variation 2943712 (VCV002943712.3), dbSNP rs2505485561, ClinGen allele CA2740096578.
Genomic context (GRCh38, chr15:48,460,281, plus strand): 5'-TTCTGACAATGCCGTCATGACTCACCAACGGGTAAACCGGTATAAATGTCGATGACAAAG[C>CCTG]CTGGCCTTTGACTTCCACAGAGTGTAGCAAACTCATCTGCAATGATTAAACAAAGGTGGG-3'

ClinVar aggregate classification (germline): Uncertain significance (1 of 4 stars; one submission).

Conditions:
Marfan syndrome (MFS). Also called: MARFAN SYNDROME, TYPE I; Marfan syndrome type 1; Marfan's syndrome; Marfan syndrome, classic; FBN1-Related Marfan Syndrome. Identifiers: Orphanet 284963, Orphanet 558, MedGen C0024796, MONDO:0007947, OMIM 154700.
Familial thoracic aortic aneurysm and aortic dissection (TAAD). Also called: Thoracic aortic aneurysms and dissections. Identifiers: Orphanet 91387, MedGen C4707243, MONDO:0019625.

Submission:

Labcorp Genetics (formerly Invitae), Labcorp
Classification: Uncertain significance for Marfan syndrome; Familial thoracic aortic aneurysm and aortic dissection. Last evaluated: 2023-03-24. Review status: criteria provided, single submitter. Criteria: Invitae Variant Classification Sherloc (09022015). Collection method: clinical testing. Allele origin: germline.
Comment: This variant, c.5258_5260dup, results in the insertion of 1 amino acid(s) of the FBN1 protein (p.Pro1753_Gly1754insAla), but otherwise preserves the integrity of the reading frame. This variant is not present in population databases (gnomAD no frequency). This variant has not been reported in the literature in individuals affected with FBN1-related conditions. In summary, the available evidence is currently insufficient to determine the role of this variant in disease. Therefore, it has been classified as a Variant of Uncertain Significance.